The following is an entry in ClinVar:

NM_000487.6(ARSA):c.*340T>A

Gene: ARSA (arylsulfatase A; minus strand). Cytogenetic location: 22q13.33.
Variant type: single nucleotide variant.
Coding change: c.*340T>A on transcript NM_000487.6 (MANE Select); 340 bases downstream of the stop codon, T replaced by A.
Molecular consequence: 3 prime UTR variant.
Genome position (GRCh38, 1-based): chr22:50,624,805, A>T on the plus strand (T>A on the coding strand, the complement: ARSA is on the minus strand). VCF-style: chr22-50624805-A-T. GRCh37 (hg19) VCF-style: chr22-51063233-A-T.
Other names: c.*340T>A (NM_001085425.3, NM_001085426.3, NM_001085427.3 and 2 more transcripts).
Identifiers: ClinVar variation 342227 (VCV000342227.5), dbSNP rs5741862, ClinGen allele CA10653699.

ClinVar aggregate classification (germline): Benign (1 of 4 stars; one submission).

Conditions:
Metachromatic leukodystrophy (MLD). Also called: ARSA DEFICIENCY; CEREBROSIDE SULFATASE DEFICIENCY; METACHROMATIC LEUKOENCEPHALOPATHY; SULFATIDE LIPIDOSIS; Cerebral sclerosis diffuse metachromatic form; Arylsulfatase A Deficiency. Identifiers: Orphanet 512, MedGen C0023522, MONDO:0018868, OMIM 250100.

Allele frequency attached by ClinVar (database versions not stated): 1000 Genomes Project 0.11362; gnomAD 0.11788; 1000 Genomes Project 30x 0.12196; TOPMed 0.12725.
gnomAD v4.1: 17,758 of 131,744 alleles (13%); highest among the groups gnomAD compares: African/African-American, 31%; 1,795 homozygotes.

Submission:

Illumina Laboratory Services, Illumina
Classification: Benign for Metachromatic leukodystrophy. Last evaluated: 2018-01-13. Review status: criteria provided, single submitter. Criteria: ICSL Variant Classification Criteria 13 December 2019. Collection method: clinical testing. Allele origin: germline.
Comment: This variant was observed in the ICSL laboratory as part of a predisposition screen in an ostensibly healthy population. It had not been previously curated by ICSL or reported in the Human Gene Mutation Database (HGMD: prior to June 1st, 2018), and was therefore a candidate for classification through an automated scoring system. Utilizing variant allele frequency, disease prevalence and penetrance estimates, and inheritance mode, an automated score was calculated to assess if this variant is too frequent to cause the disease. Based on the score and internal cut-off values, a variant classified as benign is not then subjected to further curation. The score for this variant resulted in a classification of benign for this disease.